The following is an entry in ClinVar:

ClinVar aggregate classification (germline): Uncertain significance. Review status: criteria provided, multiple submitters, no conflicts (2 of 4 stars). 4 submissions from 4 submitters: Uncertain significance (4). Last evaluated 2025-01-27.

Conditions:
Arrhythmogenic cardiomyopathy with wooly hair and keratoderma. Also called: PALMOPLANTAR KERATODERMA WITH LEFT VENTRICULAR CARDIOMYOPATHY AND WOOLLY HAIR; Carvajal syndrome; Dilated cardiomyopathy with woolly hair and keratoderma; Arrhythmogenic cardiomyopathy with woolly hair and keratoderma. Identifiers: Orphanet 65282, MedGen C1854063, MONDO:0011581, OMIM 605676.
Arrhythmogenic right ventricular dysplasia 8 (ARVD8). Also called: Arrhythmogenic Right Ventricular Dysplasia/Cardiomyopathy 8; ARRHYTHMOGENIC RIGHT VENTRICULAR DYSPLASIA, FAMILIAL, 8; ARRHYTHMOGENIC RIGHT VENTRICULAR CARDIOMYOPATHY 8. Identifiers: MedGen C1843896, MONDO:0011831, OMIM 607450.
Cardiovascular phenotype. Identifiers: MedGen CN230736.
Cardiomyopathy (CMYO). Also called: Cardiomyopathies. Identifiers: Orphanet 167848, MedGen C0878544, MONDO:0004994, HP:0001638. Inheritance: Various modes of inheritance.

Allele frequency attached by ClinVar (database versions not stated): gnomAD exomes below 0.00001.
gnomAD v4.1: 1 of 1,613,964 alleles (0.000062%); highest among the groups gnomAD compares: Non-Finnish European, 0.000085%; no homozygotes.

Submissions (4):

Ambry Genetics
Classification: Uncertain significance for Cardiovascular phenotype. Last evaluated: 2025-01-27. Review status: criteria provided, single submitter. Criteria: Ambry Variant Classification Scheme 2023. Collection method: clinical testing. Allele origin: germline.
Comment: The p.W2717R variant (also known as c.8149T>C), located in coding exon 24 of the DSP gene, results from a T to C substitution at nucleotide position 8149. The tryptophan at codon 2717 is replaced by arginine, an amino acid with dissimilar properties. This amino acid position is conserved. In addition, this alteration is predicted to be deleterious by in silico analysis. Based on the available evidence, the clinical significance of this variant remains unclear.

Color Diagnostics, LLC DBA Color Health
Classification: Uncertain significance for Cardiomyopathy. Last evaluated: 2024-03-06. Review status: criteria provided, single submitter. Criteria: ACMG Guidelines, 2015. Collection method: clinical testing. Allele origin: germline.
Comment: This variant is located in the DSP protein. Computational prediction is inconclusive regarding the impact of this variant on protein structure and function (internally defined REVEL score threshold 0.5 < inconclusive < 0.7, PMID: 27666373). To our knowledge, functional studies have not been reported for this variant. This variant has not been reported in individuals affected with cardiovascular disorders in the literature. This variant has not been identified in the general population by the Genome Aggregation Database (gnomAD). The available evidence is insufficient to determine the role of this variant in disease conclusively. Therefore, this variant is classified as a Variant of Uncertain Significance.

All of Us Research Program, National Institutes of Health
Classification: Uncertain significance for Arrhythmogenic cardiomyopathy with wooly hair and keratoderma. Last evaluated: 2023-09-17. Review status: criteria provided, single submitter. Criteria: ACMG Guidelines, 2015. Collection method: clinical testing. Allele origin: germline. Inheritance: Autosomal dominant inheritance. Observed: 1 variant allele, 1 heterozygote.
Comment: This variant is located in the DSP protein. Computational prediction is inconclusive regarding the impact of this variant on protein structure and function (internally defined REVEL score threshold 0.5 < inconclusive < 0.7, PMID: 27666373). To our knowledge, functional studies have not been reported for this variant. This variant has not been reported in individuals affected with cardiovascular disorders in the literature. This variant has not been identified in the general population by the Genome Aggregation Database (gnomAD). The available evidence is insufficient to determine the role of this variant in disease conclusively. Therefore, this variant is classified as a Variant of Uncertain Significance.

This study involves interpretation of variants in research participants for the purpose of population health screening. Participant phenotype was not available at the time of variant classification. Additional details can be found in publication PMID: 35346344, PMCID: PMC8962531

Labcorp Genetics (formerly Invitae), Labcorp
Classification: Uncertain significance for Arrhythmogenic cardiomyopathy with wooly hair and keratoderma; Arrhythmogenic right ventricular dysplasia 8. Last evaluated: 2021-07-01. Review status: criteria provided, single submitter. Criteria: Invitae Variant Classification Sherloc (09022015). Collection method: clinical testing. Allele origin: germline.
Comment: In summary, the available evidence is currently insufficient to determine the role of this variant in disease. Therefore, it has been classified as a Variant of Uncertain Significance. Algorithms developed to predict the effect of missense changes on protein structure and function (SIFT, PolyPhen-2, Align-GVGD) all suggest that this variant is likely to be disruptive, but these predictions have not been confirmed by published functional studies and their clinical significance is uncertain. This variant has not been reported in the literature in individuals with DSP-related disease. This variant is not present in population databases (ExAC no frequency). This sequence change replaces tryptophan with arginine at codon 2717 of the DSP protein (p.Trp2717Arg). The tryptophan residue is highly conserved and there is a moderate physicochemical difference between tryptophan and arginine.

NM_004415.4(DSP):c.8149T>C (p.Trp2717Arg)

Gene: DSP (desmoplakin; plus strand). Cytogenetic location: 6p24.3.
Variant type: single nucleotide variant.
Coding change: c.8149T>C on transcript NM_004415.4 (MANE Select); coding-DNA position 8149, T replaced by C.
Protein change: p.Trp2717Arg; replaces tryptophan 2717 with arginine.
Molecular consequence: missense variant.
Genome position (GRCh38, 1-based): chr6:7,585,411, T>C. VCF-style: chr6-7585411-T-C. GRCh37 (hg19) VCF-style: chr6-7585644-T-C.
Other names: c.8149T>C (LRG_423t1); c.6352T>C, p.Trp2118Arg (NM_001008844.3); c.6820T>C, p.Trp2274Arg (NM_001319034.2); short protein forms W2717R, W2118R, W2274R.
Identifiers: ClinVar variation 534289 (VCV000534289.17), dbSNP rs1554109176, ClinGen allele CA362694546.